The following is an entry in ClinVar:

NM_004364.5(CEBPA):c.396C>T (p.Gly132=)

Gene: CEBPA (CCAAT enhancer binding protein alpha; minus strand). Cytogenetic location: 19q13.11.
Variant type: single nucleotide variant.
Coding change: c.396C>T on transcript NM_004364.5 (MANE Select); coding-DNA position 396, C replaced by T.
Protein change: p.Gly132=; no amino-acid change (glycine 132 retained).
Molecular consequence: synonymous variant.
Genome position (GRCh38, 1-based): chr19:33,302,019, G>A on the plus strand (C>T on the coding strand, the complement: CEBPA is on the minus strand). VCF-style: chr19-33302019-G-A. GRCh37 (hg19) VCF-style: chr19-33792925-G-A.
Other names: c.39C>T, p.Gly13= (NM_001285829.2); c.501C>T, p.Gly167= (NM_001287424.2); c.354C>T, p.Gly118= (NM_001287435.2).
Identifiers: ClinVar variation 415194 (VCV000415194.14), dbSNP rs1060504475, ClinGen allele CA16616056.

ClinVar aggregate classification (germline): Conflicting classifications of pathogenicity. Review status: criteria provided, conflicting classifications (1 of 4 stars). 3 submissions from 3 submitters: Uncertain significance (1); Likely benign (2). Last evaluated 2026-02-02.

Conditions:
Inborn genetic diseases. Identifiers: MedGen C0950123, MeSH D030342.
Hereditary cancer-predisposing syndrome. Also called: Neoplastic Syndromes, Hereditary; Hereditary neoplastic syndrome; Hereditary Cancer Syndrome; Tumor predisposition. Identifiers: Orphanet 140162, MedGen C0027672, MeSH D009386, MONDO:0015356.
Acute myeloid leukemia (AML). Also called: Leukemia, acute myeloid, somatic; Leukemia, acute myelogenous, somatic; Acute myeloid leukemia, adult; AML adult; Acute non-lymphocytic leukemia; Acute granulocytic leukemia. Identifiers: Orphanet 519, MedGen C0023467, MeSH D015470, MONDO:0018874, OMIM 601626, HP:0004808. Disease mechanism: Constitutively activated FLT3.

Allele frequency attached by ClinVar (database versions not stated): gnomAD 0.00008 and 0.00009; TOPMed 0.00008.
gnomAD v4.1: 244 of 1,180,774 alleles (0.021%); highest among the groups gnomAD compares: Non-Finnish European, 0.025%; no homozygotes.

Submissions (3):

Labcorp Genetics (formerly Invitae), Labcorp
Classification: Likely benign for Acute myeloid leukemia. Last evaluated: 2026-02-02. Review status: criteria provided, single submitter. Criteria: Invitae Variant Classification Sherloc (09022015). Collection method: clinical testing. Allele origin: germline.

Ambry Genetics
Classification: Likely benign for Inborn genetic diseases. Last evaluated: 2024-11-23. Review status: criteria provided, single submitter. Criteria: Ambry Variant Classification Scheme 2023. Collection method: clinical testing. Allele origin: germline.

Sema4
Classification: Uncertain significance for Hereditary cancer-predisposing syndrome. Last evaluated: 2021-12-23. Review status: criteria provided, single submitter. Criteria: Sema4 Curation Guidelines. Collection method: curation. Allele origin: germline.
Comment: The CEBPA c.396C>T (p.G132=) variant has not been reported in the literature to our knowledge. It was observed in 1/8188 chromosomes of the African/African American (AFR) subpopulation in the large and broad cohorts of the Genome Aggregation Database (PMID: 32461654). This variant has been reported in ClinVar (Variation ID 415194). In silico tools that predict the effect of sequence changes on splicing suggest that this variant may impact splicing, though these predictions have not been confirmed by functional studies. The evidence is insufficient to meet ACMG/AMP criteria for classifying the variant as benign or pathogenic. Thus, the clinical significance of this variant is currently uncertain.